The following is an entry in ClinVar:

ClinVar aggregate classification (germline): Uncertain significance. Review status: criteria provided, multiple submitters, no conflicts (2 of 4 stars). 4 submissions from 4 submitters: Uncertain significance (4). Last evaluated 2025-08-11.

Conditions:
Myofibrillar myopathy 5. Also called: Filaminopathy (type); FILAMINOPATHY, AUTOSOMAL DOMINANT. Identifiers: Orphanet 171445, MedGen C1836050, MONDO:0012289, OMIM 609524.
Hypertrophic cardiomyopathy 26. Also called: Cardiomyopathy, familial hypertrophic, 26. Identifiers: Orphanet 75249, MedGen C4310749, MONDO:0014883, OMIM 617047.
Distal myopathy with posterior leg and anterior hand involvement. Also called: WILLIAMS DISTAL MYOPATHY. Identifiers: Orphanet 63273, MedGen C3279722, MONDO:0013550, OMIM 614065.
Cardiovascular phenotype. Identifiers: MedGen CN230736.

Allele frequency attached by ClinVar (database versions not stated): TOPMed 0.00001; gnomAD exomes 0.00001.

Submissions (4):

Labcorp Genetics (formerly Invitae), Labcorp
Classification: Uncertain significance for Distal myopathy with posterior leg and anterior hand involvement; Myofibrillar myopathy 5; Hypertrophic cardiomyopathy 26. Last evaluated: 2025-08-11. Review status: criteria provided, single submitter. Criteria: Invitae Variant Classification Sherloc (09022015). Collection method: clinical testing. Allele origin: germline.
Comment: This sequence change replaces glutamic acid, which is acidic and polar, with lysine, which is basic and polar, at codon 2612 of the FLNC protein (p.Glu2612Lys). This variant is present in population databases (no rsID available, gnomAD 0.009%). This variant has not been reported in the literature in individuals affected with FLNC-related conditions. ClinVar contains an entry for this variant (Variation ID: 472182). An algorithm developed to predict the effect of missense changes on protein structure and function (PolyPhen-2) suggests that this variant is likely to be disruptive. In summary, the available evidence is currently insufficient to determine the role of this variant in disease. Therefore, it has been classified as a Variant of Uncertain Significance.

GeneDx
Classification: Uncertain significance. Last evaluated: 2025-03-17. Review status: criteria provided, single submitter. Criteria: GeneDx Variant Classification Process June 2021. Collection method: clinical testing. Allele origin: germline. Affected: yes.
Comment: Not observed at significant frequency in large population cohorts (gnomAD); In silico analysis supports that this missense variant has a deleterious effect on protein structure/function; Has not been previously published as pathogenic or benign to our knowledge

Ambry Genetics
Classification: Uncertain significance for Cardiovascular phenotype. Last evaluated: 2023-10-12. Review status: criteria provided, single submitter. Criteria: Ambry Variant Classification Scheme 2023. Collection method: clinical testing. Allele origin: germline.
Comment: The p.E2612K variant (also known as c.7834G>A), located in coding exon 47 of the FLNC gene, results from a G to A substitution at nucleotide position 7834. The glutamic acid at codon 2612 is replaced by lysine, an amino acid with similar properties. This amino acid position is conserved. In addition, the in silico prediction for this alteration is inconclusive. Since supporting evidence is limited at this time, the clinical significance of this alteration remains unclear.

Stanford Center for Inherited Cardiovascular Disease, Stanford University
Classification: Uncertain significance. Last evaluated: 2017-08-16. Review status: criteria provided, single submitter. Criteria: ACMG Guidelines, 2015. Collection method: provider interpretation. Allele origin: germline.

NM_001458.5(FLNC):c.7834G>A (p.Glu2612Lys)

Genes: FLNC-AS1 (FLNC antisense RNA 1; minus strand), FLNC (filamin C; plus strand). Cytogenetic location: 7q32.1.
Variant type: single nucleotide variant.
Coding change: c.7834G>A on transcript NM_001458.5 (MANE Select); coding-DNA position 7834, G replaced by A.
Protein change: p.Glu2612Lys; replaces glutamic acid 2612 with lysine.
Molecular consequence: missense variant.
Genome position (GRCh38, 1-based): chr7:128,858,061, G>A. VCF-style: chr7-128858061-G-A. GRCh37 (hg19) VCF-style: chr7-128498115-G-A.
Other names: c.7735G>A, p.Glu2579Lys (NM_001127487.2); short protein forms E2612K, E2579K.
Identifiers: ClinVar variation 472182 (VCV000472182.15), dbSNP rs1183050599, ClinGen allele CA369220120.
Genomic context (GRCh38, chr7:128,858,061, plus strand): 5'-CCCTCAGGTCCGAGGCTGTCCGGAGGCCACAGCCTTCACGAAACATCCACGGTTCTGGTG[G>A]AGACTGTGACCAAGTCCTCCTCAAGCCGGGGCTCCAGCTACAGCTCCATCCCCAAGTTCT-3'
Protein context (NP_001449.3, residues 2602-2622): SLHETSTVLV[Glu2612Lys]TVTKSSSSRG